The following is an entry in ClinVar:

NM_000074.3(CD40LG):c.634C>T (p.His212Tyr)

Gene: CD40LG (CD40 ligand; plus strand). Cytogenetic location: Xq26.3.
Variant type: single nucleotide variant.
Coding change: c.634C>T on transcript NM_000074.3 (MANE Select); coding-DNA position 634, C replaced by T.
Protein change: p.His212Tyr; replaces histidine 212 with tyrosine.
Molecular consequence: missense variant.
Genome position (GRCh38, 1-based): chrX:136,659,263, C>T. VCF-style: chrX-136659263-C-T. GRCh37 (hg19) VCF-style: chrX-135741422-C-T.
Other names: short protein forms H212Y.
Identifiers: ClinVar variation 3684026 (VCV003684026.2).

ClinVar aggregate classification (germline): Uncertain significance (1 of 4 stars; one submission).

Conditions:
Hyper-IgM syndrome type 1. Also called: Hyper-IgM Immunodeficiency Syndrome, Type 1; CD40 Ligand Deficiency; X-linked hyper-IgM syndrome; Immunodeficiency, X-linked, with hyper-IgM. Identifiers: Orphanet 101088, MedGen C0398689, MONDO:0010626, OMIM 308230.

Submission:

Labcorp Genetics (formerly Invitae), Labcorp
Classification: Uncertain significance for Hyper-IgM syndrome type 1. Last evaluated: 2024-06-24. Review status: criteria provided, single submitter. Criteria: Invitae Variant Classification Sherloc (09022015). Collection method: clinical testing. Allele origin: germline.
Comment: This sequence change replaces histidine, which is basic and polar, with tyrosine, which is neutral and polar, at codon 212 of the CD40LG protein (p.His212Tyr). This variant is present in population databases (no rsID available, gnomAD 0.005%), including at least one homozygous and/or hemizygous individual. This variant has not been reported in the literature in individuals affected with CD40LG-related conditions. Advanced modeling of protein sequence and biophysical properties (such as structural, functional, and spatial information, amino acid conservation, physicochemical variation, residue mobility, and thermodynamic stability) performed at Invitae indicates that this missense variant is not expected to disrupt CD40LG protein function with a negative predictive value of 80%. In summary, the available evidence is currently insufficient to determine the role of this variant in disease. Therefore, it has been classified as a Variant of Uncertain Significance.